The following is an entry in ClinVar:

ClinVar aggregate classification (germline): Uncertain significance (1 of 4 stars; one submission).

Conditions:
Gorlin syndrome. Also called: Nevoid Basal Cell Carcinoma Syndrome; Basal cell nevus syndrome. Identifiers: Orphanet 377, MedGen C0004779, MONDO:0007187.

Submission:

Labcorp Genetics (formerly Invitae), Labcorp
Classification: Uncertain significance for Gorlin syndrome. Last evaluated: 2021-08-28. Review status: criteria provided, single submitter. Criteria: Invitae Variant Classification Sherloc (09022015). Collection method: clinical testing. Allele origin: germline.
Comment: In summary, the available evidence is currently insufficient to determine the role of this variant in disease. Therefore, it has been classified as a Variant of Uncertain Significance. Advanced modeling of protein sequence and biophysical properties (such as structural, functional, and spatial information, amino acid conservation, physicochemical variation, residue mobility, and thermodynamic stability) performed at Invitae indicates that this missense variant is not expected to disrupt PTCH1 protein function. This variant has not been reported in the literature in individuals affected with PTCH1-related conditions. This variant is not present in population databases (ExAC no frequency). This sequence change replaces lysine with methionine at codon 370 of the PTCH1 protein (p.Lys370Met). The lysine residue is moderately conserved and there is a moderate physicochemical difference between lysine and methionine.

NM_000264.5(PTCH1):c.1109A>T (p.Lys370Met)

Gene: PTCH1 (patched 1; minus strand). Cytogenetic location: 9q22.32.
Variant type: single nucleotide variant.
Coding change: c.1109A>T on transcript NM_000264.5 (MANE Select); coding-DNA position 1109, A replaced by T.
Protein change: p.Lys370Met; replaces lysine 370 with methionine.
Molecular consequence: missense variant. On other transcripts: non-coding transcript variant (1).
Genome position (GRCh38, 1-based): chr9:95,479,106, T>A on the plus strand (A>T on the coding strand, the complement: PTCH1 is on the minus strand). VCF-style: chr9-95479106-T-A. GRCh37 (hg19) VCF-style: chr9-98241388-T-A.
Other names: c.1106A>T, p.Lys369Met (NM_001083603.3); c.656A>T, p.Lys219Met (NM_001083604.3, NM_001083605.3, NM_001083606.3 and 1 more transcripts); c.1109A>T, p.Lys370Met (NM_001354918.2); c.911A>T, p.Lys304Met (NM_001083602.3); short protein forms K370M, K219M, K304M, K369M.
Identifiers: ClinVar variation 1425406 (VCV001425406.6), dbSNP rs768024586, ClinGen allele CA374119451.